The following is an entry in ClinVar:

NM_032119.4(ADGRV1):c.1525C>G (p.Gln509Glu)

Gene: ADGRV1 (adhesion G protein-coupled receptor V1; plus strand). Cytogenetic location: 5q14.3.
Variant type: single nucleotide variant.
Coding change: c.1525C>G on transcript NM_032119.4 (MANE Select); coding-DNA position 1525, C replaced by G.
Protein change: p.Gln509Glu; replaces glutamine 509 with glutamic acid.
Molecular consequence: missense variant. On other transcripts: non-coding transcript variant (1).
Genome position (GRCh38, 1-based): chr5:90,629,225, C>G. VCF-style: chr5-90629225-C-G. GRCh37 (hg19) VCF-style: chr5-89925042-C-G.
Other names: short protein forms Q509E.
Identifiers: ClinVar variation 1716849 (VCV001716849.5), dbSNP rs2531838714, ClinGen allele CA360373093.
Genomic context (GRCh38, chr5:90,629,225, plus strand): 5'-AGATGCGAGAATTCTGTACTTTAATATTTTATTCCTTTACTTCAGCTTTTGTTCTACATT[C>G]AGGATAGTGATGATGTCTATGGCCTAATAACATTTTTTCCTATGGAAAACCAGAAGATTG-3'
Protein context (NP_115495.3, residues 499-519): SEPAELLFYI[Gln509Glu]DSDDVYGLIT

ClinVar aggregate classification (germline): Uncertain significance (1 of 4 stars; one submission).

Submission:

Labcorp Genetics (formerly Invitae), Labcorp
Classification: Uncertain significance. Last evaluated: 2023-06-30. Review status: criteria provided, single submitter. Criteria: Invitae Variant Classification Sherloc (09022015). Collection method: clinical testing. Allele origin: germline.
Comment: ClinVar contains an entry for this variant (Variation ID: 1716849). In summary, the available evidence is currently insufficient to determine the role of this variant in disease. Therefore, it has been classified as a Variant of Uncertain Significance. Algorithms developed to predict the effect of sequence changes on RNA splicing suggest that this variant may disrupt the consensus splice site. Advanced modeling of protein sequence and biophysical properties (such as structural, functional, and spatial information, amino acid conservation, physicochemical variation, residue mobility, and thermodynamic stability) performed at Invitae indicates that this missense variant is not expected to disrupt ADGRV1 protein function. This variant has not been reported in the literature in individuals affected with ADGRV1-related conditions. This variant is not present in population databases (gnomAD no frequency). This sequence change replaces glutamine, which is neutral and polar, with glutamic acid, which is acidic and polar, at codon 509 of the ADGRV1 protein (p.Gln509Glu).